The following is an entry in ClinVar:

NM_000038.6(APC):c.4163C>T (p.Thr1388Ile)

Gene: APC (APC regulator of Wnt signaling pathway; plus strand). Cytogenetic location: 5q22.2.
Variant type: single nucleotide variant.
Coding change: c.4163C>T on transcript NM_000038.6 (MANE Select); coding-DNA position 4163, C replaced by T.
Protein change: p.Thr1388Ile; replaces threonine 1388 with isoleucine.
Molecular consequence: missense variant. On other transcripts: non-coding transcript variant (2).
Genome position (GRCh38, 1-based): chr5:112,839,757, C>T. VCF-style: chr5-112839757-C-T. GRCh37 (hg19) VCF-style: chr5-112175454-C-T.
Other names: c.4163C>T, p.Thr1388Ile (NM_001127510.3, NM_001354895.2, NM_001407450.1); c.4109C>T, p.Thr1370Ile (NM_001127511.3); c.4217C>T, p.Thr1406Ile (NM_001354896.2, NM_001407447.1, NM_001407448.1 and 1 more transcripts); c.4193C>T, p.Thr1398Ile (NM_001354897.2); c.4088C>T, p.Thr1363Ile (NM_001354898.2); c.4079C>T, p.Thr1360Ile (NM_001354899.2); c.4040C>T, p.Thr1347Ile (NM_001354900.2); c.3986C>T, p.Thr1329Ile (NM_001354901.2, NM_001407453.1); and 11 more; short protein forms T1004I, T1105I, T1228I, T1259I, T1262I, T1287I, T1297I, T1305I.
Identifiers: ClinVar variation 4860962 (VCV004860962.1).

ClinVar aggregate classification (germline): Uncertain significance (1 of 4 stars; one submission).

Conditions:
Hereditary cancer-predisposing syndrome. Also called: Neoplastic Syndromes, Hereditary; Tumor predisposition; Hereditary Cancer Syndrome; Hereditary neoplastic syndrome. Identifiers: Orphanet 140162, MedGen C0027672, MeSH D009386, MONDO:0015356.

Submission:

Ambry Genetics
Classification: Uncertain significance for Hereditary cancer-predisposing syndrome. Last evaluated: 2026-03-29. Review status: criteria provided, single submitter. Criteria: Ambry Variant Classification Scheme 2023. Collection method: clinical testing. Allele origin: germline.
Comment: The p.T1388I variant (also known as c.4163C>T), located in coding exon 15 of the APC gene, results from a C to T substitution at nucleotide position 4163. The threonine at codon 1388 is replaced by isoleucine, an amino acid with similar properties. This amino acid position is conserved. In addition, in silico predictors for this gene do not accurately predict pathogenicity. Based on the available evidence, the clinical significance of this variant remains unclear.